The following is an entry in ClinVar:

NM_001004334.4(GPR179):c.3442G>A (p.Asp1148Asn)

Gene: GPR179 (G protein-coupled receptor 179; minus strand). Cytogenetic location: 17q12.
Variant type: single nucleotide variant.
Coding change: c.3442G>A on transcript NM_001004334.4 (MANE Select); coding-DNA position 3442, G replaced by A.
Protein change: p.Asp1148Asn; replaces aspartic acid 1148 with asparagine.
Molecular consequence: missense variant.
Genome position (GRCh38, 1-based): chr17:38,330,127, C>T on the plus strand (G>A on the coding strand, the complement: GPR179 is on the minus strand). VCF-style: chr17-38330127-C-T. GRCh37 (hg19) VCF-style: chr17-36486010-C-T.
Other names: short protein forms D1148N.
Identifiers: ClinVar variation 892236 (VCV000892236.10), dbSNP rs202183326, ClinGen allele CA290105099.

ClinVar aggregate classification (germline): Uncertain significance. Review status: criteria provided, multiple submitters, no conflicts (2 of 4 stars). 4 submissions from 4 submitters: Uncertain significance (4). Last evaluated 2024-08-05.

Conditions:
Inborn genetic diseases. Identifiers: MedGen C0950123, MeSH D030342.
Congenital stationary night blindness 1E. Also called: Night blindness, congenital stationary (complete), 1E, autosomal recessive. Identifiers: Orphanet 215, MedGen C3281215, MONDO:0013807, OMIM 614565.

Allele frequency attached by ClinVar (database versions not stated): TOPMed 0.00001; gnomAD 0.00002; gnomAD exomes 0.00002; ExAC 0.00005; 1000 Genomes Project 30x 0.00016; 1000 Genomes Project 0.00020.
gnomAD v4.1: 33 of 1,606,746 alleles (0.0021%); highest among the groups gnomAD compares: African/African-American, 0.004%; no homozygotes.

Submissions (4):

Ambry Genetics
Classification: Uncertain significance for Inborn genetic diseases. Last evaluated: 2024-08-05. Review status: criteria provided, single submitter. Criteria: Ambry Variant Classification Scheme 2023. Collection method: clinical testing. Allele origin: germline.

Labcorp Genetics (formerly Invitae), Labcorp
Classification: Uncertain significance. Last evaluated: 2022-07-03. Review status: criteria provided, single submitter. Criteria: Invitae Variant Classification Sherloc (09022015). Collection method: clinical testing. Allele origin: germline.
Comment: This sequence change replaces aspartic acid, which is acidic and polar, with asparagine, which is neutral and polar, at codon 1148 of the GPR179 protein (p.Asp1148Asn). This variant is present in population databases (rs202183326, gnomAD 0.008%). This variant has not been reported in the literature in individuals affected with GPR179-related conditions. ClinVar contains an entry for this variant (Variation ID: 892236). Algorithms developed to predict the effect of missense changes on protein structure and function output the following: SIFT: "Deleterious"; PolyPhen-2: "Benign"; Align-GVGD: "Class C0". The asparagine amino acid residue is found in multiple mammalian species, which suggests that this missense change does not adversely affect protein function. In summary, the available evidence is currently insufficient to determine the role of this variant in disease. Therefore, it has been classified as a Variant of Uncertain Significance.

Blueprint Genetics
Classification: Uncertain significance. Last evaluated: 2022-01-04. Review status: criteria provided, single submitter. Criteria: ACMG Guidelines, 2015. Collection method: clinical testing. Allele origin: germline.

Illumina Laboratory Services, Illumina
Classification: Uncertain significance for Congenital stationary night blindness 1E. Last evaluated: 2018-01-12. Review status: criteria provided, single submitter. Criteria: ICSL Variant Classification Criteria 13 December 2019. Collection method: clinical testing. Allele origin: germline.